The following is an entry in ClinVar:

NM_032242.4(PLXNA1):c.509C>T (p.Ala170Val)

Gene: PLXNA1 (plexin A1; plus strand). Cytogenetic location: 3q21.3.
Variant type: single nucleotide variant.
Coding change: c.509C>T on transcript NM_032242.4 (MANE Select); coding-DNA position 509, C replaced by T.
Protein change: p.Ala170Val; replaces alanine 170 with valine.
Molecular consequence: missense variant.
Genome position (GRCh38, 1-based): chr3:126,989,102, C>T. VCF-style: chr3-126989102-C-T. GRCh37 (hg19) VCF-style: chr3-126707945-C-T.
Other names: short protein forms A170V.
Identifiers: ClinVar variation 2634255 (VCV002634255.8), dbSNP rs150244244, ClinGen allele CA2592987.

ClinVar aggregate classification (germline): Conflicting classifications of pathogenicity. Review status: criteria provided, conflicting classifications (1 of 4 stars). 3 submissions from 3 submitters: Uncertain significance (2); Likely benign (1). Last evaluated 2026-07-30.

Conditions:
PLXNA1-related disorder. Also called: PLXNA1-related condition.

Allele frequency attached by ClinVar (database versions not stated): gnomAD 0.00003; TOPMed 0.00003; gnomAD exomes 0.00006; ESP Exome Variant Server 0.00008; ExAC 0.00010.
gnomAD v4.1: 92 of 1,612,984 alleles (0.0057%); highest among the groups gnomAD compares: South Asian, 0.077%; 1 homozygote.

Submissions (3):

PreventionGenetics, part of Exact Sciences
Classification: Uncertain significance for PLXNA1-related condition. Last evaluated: 2026-07-30. Review status: criteria provided, single submitter. Criteria: ACMG Guidelines, 2015. Collection method: clinical testing. Allele origin: germline.
Comment: The PLXNA1 c.509C>T variant is predicted to result in the amino acid substitution p.Ala170Val. To our knowledge, this variant has not been reported in the literature. This variant is reported in 0.079% of alleles in individuals of South Asian descent in gnomAD, which is likely too common for an undocumented disease-causing variant. Although we suspect that this variant may be benign, at this time, the clinical significance of this variant is uncertain due to the absence of conclusive functional and genetic evidence.

CeGaT Center for Human Genetics Tuebingen
Classification: Likely benign. Last evaluated: 2026-02-01. Review status: criteria provided, single submitter. Criteria: CeGaT Center For Human Genetics Tuebingen Variant Classification Criteria Version 2. Collection method: clinical testing. Allele origin: germline. Affected: yes. Observed: 1 variant allele.
Comment: PLXNA1: BS2

Ambry Genetics
Classification: Uncertain significance. Last evaluated: 2024-02-13. Review status: criteria provided, single submitter. Criteria: Ambry Variant Classification Scheme 2023. Collection method: clinical testing. Allele origin: germline.